The following is an entry in ClinVar:

ClinVar aggregate classification (germline): Uncertain significance (1 of 4 stars; one submission).

Allele frequency attached by ClinVar (database versions not stated): 1000 Genomes Project 30x 0.00031; 1000 Genomes Project 0.00060.
gnomAD v4.1: 16 of 1,482,118 alleles (0.0011%); highest among the groups gnomAD compares: Admixed American, 0.012%; no homozygotes.

Submission:

Labcorp Genetics (formerly Invitae), Labcorp
Classification: Uncertain significance. Last evaluated: 2024-01-08. Review status: criteria provided, single submitter. Criteria: Invitae Variant Classification Sherloc (09022015). Collection method: clinical testing. Allele origin: germline.
Comment: This sequence change replaces glycine, which is neutral and non-polar, with cysteine, which is neutral and slightly polar, at codon 91 of the PAX1 protein (p.Gly91Cys). The frequency data for this variant in the population databases is considered unreliable, as metrics indicate poor data quality at this position in the gnomAD database. This variant has not been reported in the literature in individuals affected with PAX1-related conditions. ClinVar contains an entry for this variant (Variation ID: 2182404). Advanced modeling of protein sequence and biophysical properties (such as structural, functional, and spatial information, amino acid conservation, physicochemical variation, residue mobility, and thermodynamic stability) performed at Invitae indicates that this missense variant is not expected to disrupt PAX1 protein function with a negative predictive value of 80%. In summary, the available evidence is currently insufficient to determine the role of this variant in disease. Therefore, it has been classified as a Variant of Uncertain Significance.

NM_001257096.2(PAX1):c.271G>T (p.Gly91Cys)

Gene: PAX1 (paired box 1; plus strand). Cytogenetic location: 20p11.22.
Variant type: single nucleotide variant.
Coding change: c.271G>T on transcript NM_001257096.2 (MANE Select); coding-DNA position 271, G replaced by T.
Protein change: p.Gly91Cys; replaces glycine 91 with cysteine.
Molecular consequence: missense variant.
Genome position (GRCh38, 1-based): chr20:21,705,983, G>T. VCF-style: chr20-21705983-G-T. GRCh37 (hg19) VCF-style: chr20-21686621-G-T.
Other names: c.271G>T, p.Gly91Cys (NM_006192.5); short protein forms G91C.
Identifiers: ClinVar variation 2182404 (VCV002182404.4), dbSNP rs566558409, ClinGen allele CA9786400.